The following is an entry in ClinVar:

NM_020831.6(MRTFA):c.2668C>A (p.Gln890Lys)

Gene: MRTFA (myocardin related transcription factor A; minus strand). Cytogenetic location: 22q13.1.
Variant type: single nucleotide variant.
Coding change: c.2668C>A on transcript NM_020831.6 (MANE Select); coding-DNA position 2668, C replaced by A.
Protein change: p.Gln890Lys; replaces glutamine 890 with lysine.
Molecular consequence: missense variant.
Genome position (GRCh38, 1-based): chr22:40,411,818, G>T on the plus strand (C>A on the coding strand, the complement: MRTFA is on the minus strand). VCF-style: chr22-40411818-G-T. GRCh37 (hg19) VCF-style: chr22-40807822-G-T.
Other names: c.2368C>A, p.Gln790Lys (NM_001282660.2); c.2518C>A, p.Gln840Lys (NM_001282661.3); c.2678C>A, p.Thr893Lys (NM_001282662.3); c.2473C>A, p.Gln825Lys (NM_001318139.2); short protein forms Q790K, Q825K, Q840K, Q890K, T893K.
Identifiers: ClinVar variation 1682931 (VCV001682931.8), dbSNP rs2147048431, ClinGen allele CA411653965.

ClinVar aggregate classification (germline): Uncertain significance (1 of 4 stars; one submission).

gnomAD v4.1: 1 of 1,518,200 alleles (0.000066%); highest among the groups gnomAD compares: Non-Finnish European, 0.000089%; no homozygotes.

Submission:

Labcorp Genetics (formerly Invitae), Labcorp
Classification: Uncertain significance. Last evaluated: 2023-08-04. Review status: criteria provided, single submitter. Criteria: Invitae Variant Classification Sherloc (09022015). Collection method: clinical testing. Allele origin: germline.
Comment: This sequence change replaces glutamine, which is neutral and polar, with lysine, which is basic and polar, at codon 790 of the MKL1 protein (p.Gln790Lys). This variant is not present in population databases (gnomAD no frequency). This variant has not been reported in the literature in individuals affected with MKL1-related conditions. ClinVar contains an entry for this variant (Variation ID: 1682931). An algorithm developed to predict the effect of missense changes on protein structure and function (PolyPhen-2) suggests that this variant is likely to be tolerated. In summary, the available evidence is currently insufficient to determine the role of this variant in disease. Therefore, it has been classified as a Variant of Uncertain Significance.